The following is an entry in ClinVar:

ClinVar aggregate classification (germline): Uncertain significance (1 of 4 stars; one submission).

Submission:

Labcorp Genetics (formerly Invitae), Labcorp
Classification: Uncertain significance. Last evaluated: 2022-08-09. Review status: criteria provided, single submitter. Criteria: Invitae Variant Classification Sherloc (09022015). Collection method: clinical testing. Allele origin: germline.
Comment: In summary, the available evidence is currently insufficient to determine the role of this variant in disease. Therefore, it has been classified as a Variant of Uncertain Significance. Algorithms developed to predict the effect of missense changes on protein structure and function (SIFT, PolyPhen-2, Align-GVGD) all suggest that this variant is likely to be tolerated. This variant has not been reported in the literature in individuals affected with PPP2R1A-related conditions. This variant is not present in population databases (gnomAD no frequency). This sequence change replaces glutamic acid, which is acidic and polar, with lysine, which is basic and polar, at codon 191 of the PPP2R1A protein (p.Glu191Lys).

NM_014225.6(PPP2R1A):c.571G>A (p.Glu191Lys)

Gene: PPP2R1A (protein phosphatase 2 scaffold subunit Aalpha; plus strand). Cytogenetic location: 19q13.41.
Variant type: single nucleotide variant.
Coding change: c.571G>A on transcript NM_014225.6 (MANE Select); coding-DNA position 571, G replaced by A.
Protein change: p.Glu191Lys; replaces glutamic acid 191 with lysine.
Molecular consequence: missense variant. On other transcripts: non-coding transcript variant (1).
Genome position (GRCh38, 1-based): chr19:52,212,753, G>A. VCF-style: chr19-52212753-G-A. GRCh37 (hg19) VCF-style: chr19-52716006-G-A.
Other names: c.34G>A, p.Glu12Lys (NM_001363656.2); short protein forms E12K, E191K.
Identifiers: ClinVar variation 1715962 (VCV001715962.5), dbSNP rs2514090818, ClinGen allele CA407183694.